The following is an entry in ClinVar:

ClinVar aggregate classification (germline): Uncertain significance. Review status: criteria provided, multiple submitters, no conflicts (2 of 4 stars). 6 submissions from 5 submitters: Uncertain significance (5). 1 of the submissions does not count toward it. Last evaluated 2024-11-16.

Conditions:
Hyperinsulinemic hypoglycemia, familial, 1 (HHF1). Also called: NESIDIOBLASTOSIS OF PANCREAS; HYPERINSULINISM, FAMILIAL, WITH PANCREATIC NESIDIOBLASTOSIS; HYPOGLYCEMIA, HYPERINSULINEMIC, OF INFANCY; Persistent Hyperinsulinemia Hypoglycemia of Infancy; Persistent hyperinsulinemic hypoglycemia of infancy. Identifiers: Orphanet 276575, Orphanet 276598, MedGen C2931832, MONDO:0009734, OMIM 256450.
Diabetes mellitus, permanent neonatal 3. Also called: ABCC8-Related Permanent Neonatal Diabetes Mellitus. Identifiers: MedGen C5394303, MONDO:0030088, OMIM 618857.
Diabetes mellitus, transient neonatal, 2 (TNDM2). Identifiers: Orphanet 99886, MedGen C1835887, MONDO:0012480, OMIM 610374. Disease mechanism: loss of function.
Type 2 diabetes mellitus. Also called: Type II diabetes mellitus. Identifiers: MedGen C0011860, MeSH D003924, MONDO:0005148, OMIM 125853, HP:0005978.
Leucine-induced hypoglycemia (LIH). Also called: LEUCINE-SENSITIVE HYPOGLYCEMIA OF INFANCY. Identifiers: MedGen C0271714, MONDO:0009415, OMIM 240800.
Hereditary hyperinsulinism.
Transitory neonatal diabetes mellitus. Also called: Transient neonatal diabetes mellitus. Identifiers: MedGen C0342273, MONDO:0020525, HP:0008255.
Maturity-onset diabetes of the young (MODY). Also called: Maturity onset diabetes mellitus in young. Identifiers: Orphanet 552, MedGen C0342276, MONDO:0018911, HP:0004904.

Allele frequency attached by ClinVar (database versions not stated): TOPMed 0.00002.
gnomAD v4.1: 23 of 1,614,026 alleles (0.0014%); highest among the groups gnomAD compares: Middle Eastern, 0.016%; no homozygotes.

Submissions (6):

Labcorp Genetics (formerly Invitae), Labcorp
Classification: Uncertain significance. Last evaluated: 2024-11-16. Review status: criteria provided, single submitter. Criteria: Invitae Variant Classification Sherloc (09022015). Collection method: clinical testing. Allele origin: germline.
Comment: This sequence change replaces arginine, which is basic and polar, with glycine, which is neutral and non-polar, at codon 957 of the ABCC8 protein (p.Arg957Gly). This variant is present in population databases (rs761160857, gnomAD 0.01%). This variant has not been reported in the literature in individuals affected with ABCC8-related conditions. ClinVar contains an entry for this variant (Variation ID: 990396). Invitae Evidence Modeling of protein sequence and biophysical properties (such as structural, functional, and spatial information, amino acid conservation, physicochemical variation, residue mobility, and thermodynamic stability) has been performed for this missense variant. However, the output from this modeling did not meet the statistical confidence thresholds required to predict the impact of this variant on ABCC8 protein function. In summary, the available evidence is currently insufficient to determine the role of this variant in disease. Therefore, it has been classified as a Variant of Uncertain Significance.

Blueprint Genetics
Classification: Uncertain significance. Last evaluated: 2024-08-07. Review status: criteria provided, single submitter. Criteria: ACMG Guidelines, 2015. Collection method: clinical testing. Allele origin: germline.

Fulgent Genetics
Classification: Uncertain significance for Type 2 diabetes mellitus; Leucine-induced hypoglycemia; Hyperinsulinemic hypoglycemia, familial, 1; Diabetes mellitus, transient neonatal, 2; Diabetes mellitus, permanent neonatal 3. Last evaluated: 2024-03-16. Review status: criteria provided, single submitter. Criteria: ACMG Guidelines, 2015. Collection method: clinical testing. Allele origin: germline.

Clinical Genomics, Uppaluri K&H Personalized Medicine Clinic
Classification: Uncertain significance for Maturity-onset diabetes of the young. Review status: criteria provided, single submitter. Criteria: K & H Uppaluri Personalized Medicine Clinic Variant Classification & Assertion Criteria_Updated V.1. Collection method: research. Allele origin: unknown. Inheritance: Somatic mutation.
Comment: Mutations in ABCC8 gene are associated with both neonatal diabetes mellitus as well as MODY. Patients with this mutation may have a better response to sulfonylureas. However, no sufficient evidence is found to ascertain the role of this particular variant ( rs761160857) in MODY yet.

Clinical Genomics, Uppaluri K&H Personalized Medicine Clinic
Classification: Uncertain significance for Transitory neonatal diabetes mellitus. Review status: criteria provided, single submitter. Criteria: K & H Uppaluri Personalized Medicine Clinic Variant Classification & Assertion Criteria_Updated V.1. Collection method: research. Allele origin: unknown. Inheritance: Somatic mutation.
Comment: Mutations in ABCC8 gene are associated with both neonatal diabetes mellitus as well as MODY. Patients with this mutation may have a better response to sulfonylureas. However, no sufficient evidence is found to ascertain the role of this particular variant ( rs761160857) in neonatal diabetes yet.

Natera, Inc.
Classification: Uncertain significance for Hereditary hyperinsulinism. Last evaluated: 2020-04-10. Review status: no assertion criteria provided. Collection method: clinical testing. Allele origin: germline. Not counted in ClinVar's aggregate classification.

Literature cited by the submitters: PubMed 16885549 (cited by Clinical Genomics, Uppaluri K&H Personalized Medicine Clinic); PubMed 21989597 (cited by Clinical Genomics, Uppaluri K&H Personalized Medicine Clinic); PubMed 27538677 (cited by Clinical Genomics, Uppaluri K&H Personalized Medicine Clinic); PubMed 18981553 (cited by Clinical Genomics, Uppaluri K&H Personalized Medicine Clinic); PubMed 32027066 (cited by Clinical Genomics, Uppaluri K&H Personalized Medicine Clinic); PubMed 16613899 (cited by Clinical Genomics, Uppaluri K&H Personalized Medicine Clinic); PubMed 18025408 (cited by Clinical Genomics, Uppaluri K&H Personalized Medicine Clinic); PubMed 32792356 (cited by Clinical Genomics, Uppaluri K&H Personalized Medicine Clinic).

NM_000352.6(ABCC8):c.2869C>G (p.Arg957Gly)

Gene: ABCC8 (ATP binding cassette subfamily C member 8; minus strand). Cytogenetic location: 11p15.1.
Variant type: single nucleotide variant.
Coding change: c.2869C>G on transcript NM_000352.6 (MANE Select); coding-DNA position 2869, C replaced by G.
Protein change: p.Arg957Gly; replaces arginine 957 with glycine.
Molecular consequence: missense variant. On other transcripts: non-coding transcript variant (1).
Genome position (GRCh38, 1-based): chr11:17,407,405, G>C on the plus strand (C>G on the coding strand, the complement: ABCC8 is on the minus strand). VCF-style: chr11-17407405-G-C. GRCh37 (hg19) VCF-style: chr11-17428952-G-C.
Other names: c.2872C>G, p.Arg958Gly (NM_001287174.3); c.2935C>G, p.Arg979Gly (NM_001351295.2); c.2869C>G, p.Arg957Gly (NM_001351296.2); c.2866C>G, p.Arg956Gly (NM_001351297.2); short protein forms R956G, R957G, R958G, R979G.
Identifiers: ClinVar variation 990396 (VCV000990396.7), dbSNP rs761160857, ClinGen allele CA5902997.